The following is an entry in ClinVar:

ClinVar aggregate classification (germline): Uncertain significance (1 of 4 stars; one submission).

Conditions:
X-linked sideroblastic anemia with ataxia (SCAX6). Also called: SPINOCEREBELLAR ATAXIA, X-LINKED 6, WITH OR WITHOUT SIDEROBLASTIC ANEMIA. Identifiers: Orphanet 2802, MedGen C1845028, MONDO:0010524, OMIM 301310.

gnomAD v4.1: 1 of 1,206,507 alleles (0.000083%); highest among the groups gnomAD compares: Non-Finnish European, 0.00011%; no homozygotes.

Submission:

3billion
Classification: Uncertain significance for X-linked sideroblastic anemia with ataxia. Last evaluated: 2026-01-09. Review status: criteria provided, single submitter. Criteria: ACMG Guidelines, 2015. Collection method: clinical testing. Allele origin: germline. Affected: yes.
Comment: The variant is observed at an extremely low frequency in the gnomAD v4.1.0 dataset (total allele frequency: <0.001%). Predicted Consequence/Location: Missense variant. Missense changes are a common disease-causing mechanism. In silico tool predictions suggest damaging effect of the variant on gene or gene product [REVEL: 0.75 (>=0.6, sensitivity 0.68 and specificity 0.92)]. Therefore, this variant is classified as VUS according to the recommendation of ACMG/AMP guideline.

NM_001271696.3(ABCB7):c.1952T>C (p.Met651Thr)

Gene: ABCB7 (ATP binding cassette subfamily B member 7; minus strand). Cytogenetic location: Xq13.3.
Variant type: single nucleotide variant.
Coding change: c.1952T>C on transcript NM_001271696.3 (MANE Select); coding-DNA position 1952, T replaced by C.
Protein change: p.Met651Thr; replaces methionine 651 with threonine.
Molecular consequence: missense variant.
Genome position (GRCh38, 1-based): chrX:75,060,314, A>G on the plus strand (T>C on the coding strand, the complement: ABCB7 is on the minus strand). VCF-style: chrX-75060314-A-G. GRCh37 (hg19) VCF-style: chrX-74280149-A-G.
Other names: c.1832T>C, p.Met611Thr (NM_001271697.3); c.1874T>C, p.Met625Thr (NM_001271698.3); c.1835T>C, p.Met612Thr (NM_001271699.3); c.1955T>C, p.Met652Thr (NM_004299.6); short protein forms M611T, M612T, M625T, M651T, M652T.
Identifiers: ClinVar variation 4856197 (VCV004856197.1).